The following is an entry in ClinVar:

ClinVar aggregate classification (germline): Uncertain significance (1 of 4 stars; one submission).

Submission:

CeGaT Center for Human Genetics Tuebingen
Classification: Uncertain significance. Last evaluated: 2024-12-01. Review status: criteria provided, single submitter. Criteria: CeGaT Center For Human Genetics Tuebingen Variant Classification Criteria Version 2. Collection method: clinical testing. Allele origin: germline. Affected: yes. Observed: 1 variant allele.
Comment: RPGR: PM2, BP4

NM_001034853.2(RPGR):c.2822G>A (p.Gly941Glu)

Gene: RPGR (retinitis pigmentosa GTPase regulator; minus strand). Cytogenetic location: Xp11.4.
Variant type: single nucleotide variant.
Coding change: c.2822G>A on transcript NM_001034853.2 (MANE Select); coding-DNA position 2822, G replaced by A.
Protein change: p.Gly941Glu; replaces glycine 941 with glutamic acid.
Molecular consequence: missense variant. On other transcripts: intron variant (8).
Genome position (GRCh38, 1-based): chrX:38,286,177, C>T on the plus strand (G>A on the coding strand, the complement: RPGR is on the minus strand). VCF-style: chrX-38286177-C-T. GRCh37 (hg19) VCF-style: chrX-38145430-C-T.
Other names: c.1569+4782G>A (NM_001367249.1, NM_001367250.1); c.1902+917G>A (NM_001367245.1); c.1386+4782G>A (NM_001367251.1); c.1719+917G>A (NM_001367246.1); c.1572+4782G>A (NM_001367247.1); c.1905+917G>A (NM_000328.3); c.1602+4782G>A (NM_001367248.1); short protein forms G941E.
Identifiers: ClinVar variation 3771544 (VCV003771544.13).